The following is an entry in ClinVar:

NM_032119.4(ADGRV1):c.2794G>T (p.Val932Phe)

Gene: ADGRV1 (adhesion G protein-coupled receptor V1; plus strand). Cytogenetic location: 5q14.3.
Variant type: single nucleotide variant.
Coding change: c.2794G>T on transcript NM_032119.4 (MANE Select); coding-DNA position 2794, G replaced by T.
Protein change: p.Val932Phe; replaces valine 932 with phenylalanine.
Molecular consequence: missense variant. On other transcripts: non-coding transcript variant (1).
Genome position (GRCh38, 1-based): chr5:90,644,765, G>T. VCF-style: chr5-90644765-G-T. GRCh37 (hg19) VCF-style: chr5-89940582-G-T.
Other names: short protein forms V932F.
Identifiers: ClinVar variation 1686719 (VCV001686719.3), dbSNP rs1767489185, ClinGen allele CA360390680.

ClinVar aggregate classification (germline): Uncertain significance. Review status: criteria provided, multiple submitters, no conflicts (2 of 4 stars). 2 submissions from 2 submitters: Uncertain significance (2). Last evaluated 2025-11-19.

Conditions:
Inborn genetic diseases. Identifiers: MedGen C0950123, MeSH D030342.

Allele frequency attached by ClinVar (database versions not stated): TOPMed below 0.00001.

Submissions (2):

Ambry Genetics
Classification: Uncertain significance for Inborn genetic diseases. Last evaluated: 2025-11-19. Review status: criteria provided, single submitter. Criteria: Ambry Variant Classification Scheme 2023. Collection method: clinical testing. Allele origin: germline.

GeneDx
Classification: Uncertain significance. Last evaluated: 2021-11-19. Review status: criteria provided, single submitter. Criteria: GeneDx Variant Classification Process June 2021. Collection method: clinical testing. Allele origin: germline. Affected: yes.
Comment: Not observed at significant frequency in large population cohorts (gnomAD); In silico analysis supports that this missense variant does not alter protein structure/function; Has not been previously published as pathogenic or benign to our knowledge